The following is an entry in ClinVar:

NM_032242.4(PLXNA1):c.4616C>G (p.Ala1539Gly)

Gene: PLXNA1 (plexin A1; plus strand). Cytogenetic location: 3q21.3.
Variant type: single nucleotide variant.
Coding change: c.4616C>G on transcript NM_032242.4 (MANE Select); coding-DNA position 4616, C replaced by G.
Protein change: p.Ala1539Gly; replaces alanine 1539 with glycine.
Molecular consequence: missense variant.
Genome position (GRCh38, 1-based): chr3:127,028,287, C>G. VCF-style: chr3-127028287-C-G. GRCh37 (hg19) VCF-style: chr3-126747130-C-G.
Other names: short protein forms A1539G.
Identifiers: ClinVar variation 3354958 (VCV003354958.2).

ClinVar aggregate classification (germline): Uncertain significance. Review status: criteria provided, single submitter (1 of 4 stars). 2 submissions from 2 submitters: Uncertain significance (1). 1 of the submissions does not count toward it. Last evaluated 2025-04-20.

Conditions:
PLXNA1-related disorder. Also called: PLXNA1-related condition.

gnomAD v4.1: 10 of 1,612,734 alleles (0.00062%); highest among the groups gnomAD compares: Middle Eastern, 0.05%; no homozygotes.

Submissions (2):

Ambry Genetics
Classification: Uncertain significance. Last evaluated: 2025-04-20. Review status: criteria provided, single submitter. Criteria: Ambry Variant Classification Scheme 2023. Collection method: clinical testing. Allele origin: germline.

PreventionGenetics, part of Exact Sciences
Classification: Uncertain significance for PLXNA1-related condition. Last evaluated: 2024-06-07. Review status: no assertion criteria provided. Collection method: clinical testing. Allele origin: germline. Not counted in ClinVar's aggregate classification.
Comment: The PLXNA1 c.4616C>G variant is predicted to result in the amino acid substitution p.Ala1539Gly. To our knowledge, this variant has not been reported in the literature. This variant is reported in 0.0029% of alleles in individuals of Latino descent in gnomAD. At this time, the clinical significance of this variant is uncertain due to the absence of conclusive functional and genetic evidence.